The following is an entry in ClinVar:

ClinVar aggregate classification (germline): Likely pathogenic (1 of 4 stars; one submission).

Conditions:
Paget disease of bone 2, early-onset (PDB2). Also called: Paget disease of bone 2. Identifiers: MedGen C4085251, MONDO:0011183, OMIM 602080.
Frontotemporal dementia and/or amyotrophic lateral sclerosis 1 (FTDALS1). Also called: Frontotemporal dementia with motor neuron disease 1; C9orf72 Frontotemporal Dementia and/or Amyotrophic Lateral Sclerosis. Identifiers: Orphanet 275872, MedGen C5779877, MONDO:0007105, OMIM 105550.

Submission:

Labcorp Genetics (formerly Invitae), Labcorp
Classification: Likely pathogenic for Paget disease of bone 2, early-onset; Frontotemporal dementia and/or amyotrophic lateral sclerosis 1. Last evaluated: 2022-10-17. Review status: criteria provided, single submitter. Criteria: Invitae Variant Classification Sherloc (09022015). Collection method: clinical testing. Allele origin: germline.
Comment: In summary, the currently available evidence indicates that the variant is pathogenic, but additional data are needed to prove that conclusively. Therefore, this variant has been classified as Likely Pathogenic. Algorithms developed to predict the effect of sequence changes on RNA splicing suggest that this variant may disrupt the consensus splice site. This variant has not been reported in the literature in individuals affected with SQSTM1-related conditions. This variant is not present in population databases (gnomAD no frequency). This sequence change affects a donor splice site in intron 1 of the SQSTM1 gene. It is expected to disrupt RNA splicing. Variants that disrupt the donor or acceptor splice site typically lead to a loss of protein function (PMID: 16199547), and loss-of-function variants in SQSTM1 are known to be pathogenic (PMID: 27545679, 29959261).

Literature cited by the submitters: PubMed 16199547; PubMed 27545679; PubMed 29959261.

NM_003900.5(SQSTM1):c.205+2T>C

Genes: SQSTM1 (sequestosome 1; plus strand), LOC129995449 (ATAC-STARR-seq lymphoblastoid silent region 16749; plus strand). Cytogenetic location: 5q35.3.
Variant type: single nucleotide variant.
Coding change: c.205+2T>C on transcript NM_003900.5 (MANE Select); the canonical splice donor site of the intron after coding-DNA position 205, T replaced by C.
Molecular consequence: splice donor variant. On other transcripts: intron variant (2).
Genome position (GRCh38, 1-based): chr5:179,821,143, T>C. VCF-style: chr5-179821143-T-C. GRCh37 (hg19) VCF-style: chr5-179248143-T-C.
Other names: c.-47-1815T>C (NM_001142298.2, NM_001142299.2).
Identifiers: ClinVar variation 1985646 (VCV001985646.4), dbSNP rs1757759029, ClinGen allele CA362442577.
Genomic context (GRCh38, chr5:179,821,143, plus strand): 5'-CCGGGTGGCCGCCCTGTTCCCCGCGCTGCGGCCTGGCGGCTTCCAGGCGCACTACCGCGG[T>C]GAGCGGGCCGGGGAGCGGCGGGGGCGGTGACGCAGGCCGGACACGGCCTCCTGCCGCGGG-3'